The following is an entry in ClinVar:

NM_033100.4(CDHR1):c.580del (p.Ala194fs)

Gene: CDHR1 (cadherin related family member 1; plus strand). Cytogenetic location: 10q23.1.
Variant type: Deletion.
Coding change: c.580del on transcript NM_033100.4 (MANE Select); coding-DNA position 580, one base deleted (G; older notation c.580delG).
Protein change: p.Ala194fs; shifts the reading frame from alanine 194.
Molecular consequence: frameshift variant.
Genome position (GRCh38, 1-based): chr10:84,201,861, G deleted; the last of 2 consecutive G bases (chr10:84,201,860-84,201,861); deleting either gives the same sequence. VCF-style (leftmost placement, unchanged base first): chr10-84201859-AG-A. GRCh37 (hg19) VCF-style: chr10-85961615-AG-A.
Other names: c.580del, p.Ala194fs (NM_001171971.3); short protein forms A194fs.
Identifiers: ClinVar variation 1435934 (VCV001435934.6), dbSNP rs2132803759, ClinGen allele CA2573145806.
Genomic context (GRCh38, chr10:84,201,859, plus strand): 5'-TCTTATAGAACCTGCACTCCCCATTTGCCGTGGACCGCCACAGCGGTGTGCTGCGCCTCC[AG>A]GCTGGGGCCACTCTGGACTACGAGAGGTCCCGGACCCACTACATCACCGTGGTCGCCAAG-3'

ClinVar aggregate classification (germline): Pathogenic (1 of 4 stars; one submission).

Submission:

Labcorp Genetics (formerly Invitae), Labcorp
Classification: Pathogenic. Last evaluated: 2022-06-27. Review status: criteria provided, single submitter. Criteria: Invitae Variant Classification Sherloc (09022015). Collection method: clinical testing. Allele origin: germline.
Comment: For these reasons, this variant has been classified as Pathogenic. Algorithms developed to predict the effect of sequence changes on RNA splicing suggest that this variant may create or strengthen a splice site. This variant has not been reported in the literature in individuals affected with CDHR1-related conditions. This variant is not present in population databases (gnomAD no frequency). This sequence change creates a premature translational stop signal (p.Ala194Leufs*73) in the CDHR1 gene. It is expected to result in an absent or disrupted protein product. Loss-of-function variants in CDHR1 are known to be pathogenic (PMID: 23044944, 23591405, 26103963, 26261414).

Literature cited by the submitters: PubMed 23044944; PubMed 23591405; PubMed 26103963; PubMed 26261414.